The following is an entry in ClinVar:

ClinVar aggregate classification (germline): Uncertain significance (1 of 4 stars; one submission).

Submission:

Labcorp Genetics (formerly Invitae), Labcorp
Classification: Uncertain significance. Last evaluated: 2022-03-23. Review status: criteria provided, single submitter. Criteria: Invitae Variant Classification Sherloc (09022015). Collection method: clinical testing. Allele origin: germline.
Comment: In summary, the available evidence is currently insufficient to determine the role of this variant in disease. Therefore, it has been classified as a Variant of Uncertain Significance. Algorithms developed to predict the effect of missense changes on protein structure and function are either unavailable or do not agree on the potential impact of this missense change (SIFT: "Deleterious"; PolyPhen-2: "Benign"; Align-GVGD: "Class C0"). This variant has not been reported in the literature in individuals affected with FNIP1-related conditions. This variant is not present in population databases (gnomAD no frequency). This sequence change replaces valine, which is neutral and non-polar, with phenylalanine, which is neutral and non-polar, at codon 682 of the FNIP1 protein (p.Val682Phe).

NM_133372.3(FNIP1):c.2044G>T (p.Val682Phe)

Gene: FNIP1 (folliculin interacting protein 1; minus strand). Cytogenetic location: 5q31.1.
Variant type: single nucleotide variant.
Coding change: c.2044G>T on transcript NM_133372.3 (MANE Select); coding-DNA position 2044, G replaced by T.
Protein change: p.Val682Phe; replaces valine 682 with phenylalanine.
Molecular consequence: missense variant.
Genome position (GRCh38, 1-based): chr5:131,672,400, C>A on the plus strand (G>T on the coding strand, the complement: FNIP1 is on the minus strand). VCF-style: chr5-131672400-C-A. GRCh37 (hg19) VCF-style: chr5-131008093-C-A.
Other names: c.1960G>T, p.Val654Phe (NM_001008738.3); c.1909G>T, p.Val637Phe (NM_001346114.2); short protein forms V654F, V682F, V637F.
Identifiers: ClinVar variation 1950866 (VCV001950866.5), dbSNP rs1767786796, ClinGen allele CA360791634.